The following is an entry in ClinVar:

ClinVar aggregate classification (germline): Uncertain significance. Review status: criteria provided, multiple submitters, no conflicts (2 of 4 stars). 2 submissions from 2 submitters: Uncertain significance (2). Last evaluated 2022-12-28.

Conditions:
Inborn genetic diseases. Identifiers: MedGen C0950123, MeSH D030342.
Neuronal ceroid lipofuscinosis 7 (CLN7). Also called: MFSD8-Related Neuronal Ceroid-Lipofuscinosis. Identifiers: Orphanet 168491, Orphanet 228366, MedGen C1838571, MONDO:0012588, OMIM 610951.

Allele frequency attached by ClinVar (database versions not stated): gnomAD exomes below 0.00001; ExAC 0.00001.
gnomAD v4.1: 1 of 1,614,222 alleles (0.000062%); highest among the groups gnomAD compares: East Asian, 0.0022%; no homozygotes.

Submissions (2):

Ambry Genetics
Classification: Uncertain significance for Inborn genetic diseases. Last evaluated: 2022-12-28. Review status: criteria provided, single submitter. Criteria: Ambry Variant Classification Scheme 2023. Collection method: clinical testing. Allele origin: germline.

Labcorp Genetics (formerly Invitae), Labcorp
Classification: Uncertain significance for Neuronal ceroid lipofuscinosis 7. Last evaluated: 2022-02-01. Review status: criteria provided, single submitter. Criteria: Invitae Variant Classification Sherloc (09022015). Collection method: clinical testing. Allele origin: germline.
Comment: This sequence change replaces aspartic acid, which is acidic and polar, with valine, which is neutral and non-polar, at codon 393 of the MFSD8 protein (p.Asp393Val). This variant is present in population databases (rs762336516, gnomAD 0.006%). This variant has not been reported in the literature in individuals affected with MFSD8-related conditions. Algorithms developed to predict the effect of missense changes on protein structure and function are either unavailable or do not agree on the potential impact of this missense change (SIFT: "Deleterious"; PolyPhen-2: "Benign"; Align-GVGD: "Class C0"). In summary, the available evidence is currently insufficient to determine the role of this variant in disease. Therefore, it has been classified as a Variant of Uncertain Significance.

NM_001371596.2(MFSD8):c.1178A>T (p.Asp393Val)

Gene: MFSD8 (major facilitator superfamily domain containing 8; minus strand). Cytogenetic location: 4q28.2.
Variant type: single nucleotide variant.
Coding change: c.1178A>T on transcript NM_001371596.2 (MANE Select); coding-DNA position 1178, A replaced by T.
Protein change: p.Asp393Val; replaces aspartic acid 393 with valine.
Molecular consequence: missense variant.
Genome position (GRCh38, 1-based): chr4:127,921,696, T>A on the plus strand (A>T on the coding strand, the complement: MFSD8 is on the minus strand). VCF-style: chr4-127921696-T-A. GRCh37 (hg19) VCF-style: chr4-128842851-T-A.
Other names: c.977A>T, p.Asp326Val (NM_001363520.3); c.863A>T, p.Asp288Val (NM_001363521.3); c.1043A>T, p.Asp348Val (NM_001371590.2); c.1178A>T, p.Asp393Val (NM_001371591.2, NM_152778.4); c.1184A>T, p.Asp395Val (NM_001371592.2); c.1064A>T, p.Asp355Val (NM_001371593.2); c.1031A>T, p.Asp344Val (NM_001371594.2); c.896A>T, p.Asp299Val (NM_001371595.1); and 3 more; short protein forms D344V, D393V, D299V, D326V, D288V, D348V, D355V, D395V.
Identifiers: ClinVar variation 1427327 (VCV001427327.7), dbSNP rs762336516, ClinGen allele CA3077273.